The following is an entry in ClinVar:

NM_017739.4(POMGNT1):c.-51+12C>T

Gene: POMGNT1 (protein O-linked mannose N-acetylglucosaminyltransferase 1 (beta 1,2-); minus strand). Cytogenetic location: 1p34.1.
Variant type: single nucleotide variant.
Coding change: c.-51+12C>T on transcript NM_017739.4 (MANE Select); 12 bases into the intron after 51 bases upstream of the start codon, C replaced by T.
Molecular consequence: intron variant.
Genome position (GRCh38, 1-based): chr1:46,198,324, G>A on the plus strand (C>T on the coding strand, the complement: POMGNT1 is on the minus strand). VCF-style: chr1-46198324-G-A. GRCh37 (hg19) VCF-style: chr1-46663996-G-A.
Other names: c.-50-453C>T (NM_001243766.2).
Identifiers: ClinVar variation 515716 (VCV000515716.1), dbSNP rs1462570054, ClinGen allele CA522582701.

ClinVar aggregate classification (germline): Likely benign (1 of 4 stars; one submission).

Allele frequency attached by ClinVar (database versions not stated): gnomAD 0.00001 and 0.00003; TOPMed 0.00001 and below 0.00001.
gnomAD v4.1: 1 of 154,352 alleles (0.00065%); highest among the groups gnomAD compares: African/African-American, 0.0024%; no homozygotes.

Submission:

GeneDx
Classification: Likely benign. Last evaluated: 2018-03-01. Review status: criteria provided, single submitter. Criteria: GeneDx Variant Classification (06012015). Collection method: clinical testing. Allele origin: germline. Affected: yes.
Comment: This variant is considered likely benign or benign based on one or more of the following criteria: it is a conservative change, it occurs at a poorly conserved position in the protein, it is predicted to be benign by multiple in silico algorithms, and/or has population frequency not consistent with disease.